The following is an entry in ClinVar:

ClinVar aggregate classification (germline): Uncertain significance (1 of 4 stars; one submission).

Conditions:
Hereditary cancer-predisposing syndrome. Also called: Neoplastic Syndromes, Hereditary; Tumor predisposition; Hereditary Cancer Syndrome; Hereditary neoplastic syndrome. Identifiers: Orphanet 140162, MedGen C0027672, MeSH D009386, MONDO:0015356.

Submission:

Ambry Genetics
Classification: Uncertain significance for Hereditary cancer-predisposing syndrome. Last evaluated: 2025-08-24. Review status: criteria provided, single submitter. Criteria: Ambry Variant Classification Scheme 2023. Collection method: clinical testing. Allele origin: germline.
Comment: The p.Q218H variant (also known as c.654G>T), located in coding exon 6 of the MRE11A gene, results from a G to T substitution at nucleotide position 654. The glutamine at codon 218 is replaced by histidine, an amino acid with highly similar properties. This amino acid position is highly conserved in available vertebrate species. In addition, this alteration is predicted to be deleterious by in silico analysis. Since supporting evidence is limited at this time, the clinical significance of this alteration remains unclear.

NM_005591.4(MRE11):c.654G>T (p.Gln218His)

Gene: MRE11 (MRE11 double strand break repair nuclease; minus strand). Cytogenetic location: 11q21.
Variant type: single nucleotide variant.
Coding change: c.654G>T on transcript NM_005591.4 (MANE Select); coding-DNA position 654, G replaced by T.
Protein change: p.Gln218His; replaces glutamine 218 with histidine.
Molecular consequence: missense variant.
Genome position (GRCh38, 1-based): chr11:94,476,294, C>A on the plus strand (G>T on the coding strand, the complement: MRE11 is on the minus strand). VCF-style: chr11-94476294-C-A. GRCh37 (hg19) VCF-style: chr11-94209460-C-A.
Other names: c.654G>T, p.Gln218His (NM_001330347.2, NM_005590.4); short protein forms Q218H.
Identifiers: ClinVar variation 481754 (VCV000481754.6), dbSNP rs1555014442, ClinGen allele CA382376513.
Genomic context (GRCh38, chr11:94,476,294, plus strand): 5'-ACAGATTTGGGAAGCCTCAGCACTTGGCTCAAACTTTTTCAGAGAAAAGTTTTACCTGTT[C>A]TGATGAATCACAAATAAGTTAAACCAAGAGTTCTCATCTTCCTTTGGTCTCAACATTGTT-3'
Protein context (NP_005582.1, residues 208-228): NSWFNLFVIH[Gln218His]NRSKHGSTNF